The following is an entry in ClinVar:

ClinVar aggregate classification (germline): Pathogenic (1 of 4 stars; one submission).

Submission:

GeneDx
Classification: Pathogenic. Last evaluated: 2015-11-25. Review status: criteria provided, single submitter. Criteria: GeneDx Variant Classification (06012015). Collection method: clinical testing. Allele origin: germline. Affected: yes.
Comment: While the c.1374-2 A>C variant in the KRT10 gene has not been published previously, several other nucleotide substitutions altering the same splice acceptor site in intron 6 (c.1374-2A>G; c.1374-1G>A; c.1374-1G>C) have been reported as de novo events or inherited from an affected parent in many patients with ichthyosis with confetti (Choate et al. 2010; Diociaiuti et al. 2014; Xiong et al. 2015). Multiple in silico splice algorithms concur that the c.1374-2 A>C variant likely destroys this canonical splice acceptor site, causing abnormal gene splicing, and protein truncation or nonsense-mediated mRNA decay. The intron 6 acceptor splice site is a mutational hotspot in ichthyosis with confetti, and all pathogenic variants for this disorder are predicted to produce a shift in the reading frame that creates the same abnormal, arginine-rich C-terminus of keratin 10 that confers mislocalization of the protein to the nucleolus (Choate et al. 2010). Moreover, c.1374-2 A>C was not observed in approximately 4,500 individuals of European and African American ancestry in the NHLBI Exome Sequencing Project, indicating it is not a benign variant in these populations. In summary, we interpret c.1374-2 A>C as a pathogenic variant associated with ichthyosis with confetti (IWC)

NM_000421.5(KRT10):c.1374-2A>C

Genes: KRT10 (keratin 10; minus strand), KRT10-AS1 (KRT10 antisense RNA 1; plus strand). Cytogenetic location: 17q21.2.
Variant type: single nucleotide variant.
Coding change: c.1374-2A>C on transcript NM_000421.5 (MANE Select); the canonical splice acceptor site of the intron before coding-DNA position 1374, A replaced by C.
Molecular consequence: splice acceptor variant. On other transcripts: non-coding transcript variant (2).
Genome position (GRCh38, 1-based): chr17:40,819,163, T>G on the plus strand (A>C on the coding strand, the complement: KRT10 is on the minus strand). VCF-style: chr17-40819163-T-G. GRCh37 (hg19) VCF-style: chr17-38975415-T-G.
Other names: c.1374-2A>C (NM_001379366.1).
Identifiers: ClinVar variation 449615 (VCV000449615.2), dbSNP rs587776815, ClinGen allele CA399390190.